The following is an entry in ClinVar:

ClinVar aggregate classification (germline): Uncertain significance (1 of 4 stars; one submission).

Conditions:
Inborn genetic diseases. Identifiers: MedGen C0950123, MeSH D030342.

Allele frequency attached by ClinVar (database versions not stated): TOPMed below 0.00001; gnomAD 0.00001.
gnomAD v4.1: 11 of 1,613,928 alleles (0.00068%); highest among the groups gnomAD compares: Non-Finnish European, 0.00093%; no homozygotes.

Submission:

Ambry Genetics
Classification: Uncertain significance for Inborn genetic diseases. Last evaluated: 2022-05-23. Review status: criteria provided, single submitter. Criteria: Ambry Variant Classification Scheme 2023. Collection method: clinical testing. Allele origin: germline.
Comment: The p.D513E variant (also known as c.1539C>G), located in coding exon 11 of the EPAS1 gene, results from a C to G substitution at nucleotide position 1539. The aspartic acid at codon 513 is replaced by glutamic acid, an amino acid with highly similar properties. This amino acid position is conserved. In addition, this alteration is predicted to be tolerated by in silico analysis. Since supporting evidence is limited at this time, the clinical significance of this alteration remains unclear.

NM_001430.5(EPAS1):c.1539C>G (p.Asp513Glu)

Gene: EPAS1 (endothelial PAS domain protein 1; plus strand). Cytogenetic location: 2p21.
Variant type: single nucleotide variant.
Coding change: c.1539C>G on transcript NM_001430.5 (MANE Select); coding-DNA position 1539, C replaced by G.
Protein change: p.Asp513Glu; replaces aspartic acid 513 with glutamic acid.
Molecular consequence: missense variant.
Genome position (GRCh38, 1-based): chr2:46,378,752, C>G. VCF-style: chr2-46378752-C-G. GRCh37 (hg19) VCF-style: chr2-46605891-C-G.
Other names: short protein forms D513E.
Identifiers: ClinVar variation 1774770 (VCV001774770.2), dbSNP rs772594964, ClinGen allele CA346704325.
Genomic context (GRCh38, chr2:46,378,752, plus strand): 5'-TAACGACCTGAAGATTGAAGTGATTGAGAAGCTCTTCGCCATGGACACAGAGGCCAAGGA[C>G]CAATGCAGTACCCAGGTAGATGGCTGTGGAGATCAGGCTAGGGTGTGTGCCTGCTGTCTG-3'
Protein context (NP_001421.2, residues 503-523): KLFAMDTEAK[Asp513Glu]QCSTQTDFNE